The following is an entry in ClinVar:

ClinVar aggregate classification (germline): Pathogenic. Review status: criteria provided, multiple submitters, no conflicts (2 of 4 stars). 4 submissions from 4 submitters: Pathogenic (4). Last evaluated 2026-10-01.

Conditions:
SPAST-related disorder. Also called: SPAST-related condition.
Hereditary spastic paraplegia 4. Also called: Familial spastic paraplegia autosomal dominant 2; Spastic paraplegia 4, autosomal dominant; Spastic Paraplegia 4. Identifiers: Orphanet 100985, MedGen C1866855, MONDO:0008438, OMIM 182601.

Submissions (4):

CeGaT Center for Human Genetics Tuebingen
Classification: Pathogenic. Last evaluated: 2026-10-01. Review status: criteria provided, single submitter. Criteria: CeGaT Center For Human Genetics Tuebingen Variant Classification Criteria Version 2. Collection method: clinical testing. Allele origin: germline. Affected: yes. Observed: 2 variant alleles.
Comment: SPAST: PVS1, PM2, PS4:Moderate

Blueprint Genetics
Classification: Pathogenic for SPAST-related disorders. Last evaluated: 2024-05-17. Review status: criteria provided, single submitter. Criteria: ACMG Guidelines, 2015. Collection method: clinical testing. Allele origin: germline. Affected: yes. Observed: 2 variant alleles.

Mendelics
Classification: Pathogenic for Hereditary spastic paraplegia 4. Last evaluated: 2022-05-04. Review status: criteria provided, single submitter. Criteria: Mendelics Assertion Criteria 2019. Collection method: clinical testing. Allele origin: germline.

Institute of Medical Genetics and Applied Genomics, University Hospital Tübingen
Classification: Pathogenic. Last evaluated: 2020-10-23. Review status: criteria provided, single submitter. Criteria: ACMG Guidelines, 2015. Collection method: clinical testing. Allele origin: germline. Inheritance: Unknown mechanism. Affected: yes.

NM_014946.4(SPAST):c.1493+2T>A

Gene: SPAST (spastin; plus strand). Cytogenetic location: 2p22.3.
Variant type: single nucleotide variant.
Coding change: c.1493+2T>A on transcript NM_014946.4 (MANE Select); the canonical splice donor site of the intron after coding-DNA position 1493, T replaced by A.
Molecular consequence: splice donor variant.
Genome position (GRCh38, 1-based): chr2:32,137,190, T>A. VCF-style: chr2-32137190-T-A. GRCh37 (hg19) VCF-style: chr2-32362259-T-A.
Other names: c.1397+2T>A (NM_199436.2, NM_001377959.1); c.1490+2T>A (NM_001363823.2); c.1394+2T>A (NM_001363875.2).
Identifiers: ClinVar variation 987203 (VCV000987203.9), dbSNP rs1553318353, ClinGen allele CA346502553.